The following is an entry in ClinVar:

ClinVar aggregate classification (germline): Likely pathogenic (1 of 4 stars; one submission).

Submission:

GeneDx
Classification: Likely pathogenic. Last evaluated: 2018-01-22. Review status: criteria provided, single submitter. Criteria: GeneDx Variant Classification (06012015). Collection method: clinical testing. Allele origin: germline. Affected: yes.
Comment: The c.188delT variant in the TBX5 gene causes a frameshift starting with codon Leucine 63, changes this amino acid to an Arginine residue and creates a premature Stop codon at position 3 of the new reading frame, denoted p.Leu63ArgfsX3. This variant is predicted to cause loss of normal protein function either through protein truncation or nonsense-mediated mRNA decay. The c.188delT variant is not observed in large population cohorts (Lek et al., 2016). Although this variant has not been previously reported to our knowledge, it is a strong candidate for a pathogenic variant. However, the possibility it may be a rare benign variant cannot be excluded.

NM_181486.4(TBX5):c.188del (p.Leu63fs)

Gene: TBX5 (T-box transcription factor 5; minus strand). Cytogenetic location: 12q24.21.
Variant type: Deletion.
Coding change: c.188del on transcript NM_181486.4 (MANE Select); coding-DNA position 188, one base deleted (T; older notation c.188delT).
Protein change: p.Leu63fs; shifts the reading frame from leucine 63.
Molecular consequence: frameshift variant.
Genome position (GRCh38, 1-based): chr12:114,401,880, A deleted on the plus strand (T on the coding strand, the reverse complement: TBX5 is on the minus strand). VCF-style (leftmost placement, unchanged base first): chr12-114401879-CA-C. GRCh37 (hg19) VCF-style: chr12-114839684-CA-C.
Other names: c.188del, p.Leu63fs (NM_000192.3); c.38del, p.Leu13fs (NM_080717.4); c.188delT (NM_000192.3); short protein forms L13fs, L63fs.
Identifiers: ClinVar variation 504156 (VCV000504156.2), dbSNP rs1555226584, ClinGen allele CA658797967.